The following is an entry in ClinVar:

ClinVar aggregate classification (germline): Uncertain significance. Review status: criteria provided, multiple submitters, no conflicts (2 of 4 stars). 2 submissions from 2 submitters: Uncertain significance (2). Last evaluated 2023-10-29.

Conditions:
Paget disease of bone 2, early-onset (PDB2). Also called: Paget disease of bone 2. Identifiers: MedGen C4085251, MONDO:0011183, OMIM 602080.
Frontotemporal dementia and/or amyotrophic lateral sclerosis 1 (FTDALS1). Also called: Frontotemporal dementia with motor neuron disease 1; C9orf72 Frontotemporal Dementia and/or Amyotrophic Lateral Sclerosis. Identifiers: Orphanet 275872, MedGen C5779877, MONDO:0007105, OMIM 105550.

Allele frequency attached by ClinVar (database versions not stated): TOPMed below 0.00001; gnomAD 0.00001; gnomAD exomes 0.00001 and 0.00002.

Submissions (2):

Labcorp Genetics (formerly Invitae), Labcorp
Classification: Uncertain significance for Paget disease of bone 2, early-onset; Frontotemporal dementia and/or amyotrophic lateral sclerosis 1. Last evaluated: 2023-10-29. Review status: criteria provided, single submitter. Criteria: Invitae Variant Classification Sherloc (09022015). Collection method: clinical testing. Allele origin: germline.
Comment: This sequence change replaces glycine, which is neutral and non-polar, with alanine, which is neutral and non-polar, at codon 351 of the SQSTM1 protein (p.Gly351Ala). This variant is present in population databases (no rsID available, gnomAD 0.0009%). This missense change has been observed in individual(s) with frontotemporal lobar degeneration (PMID: 25433461). ClinVar contains an entry for this variant (Variation ID: 586683). Advanced modeling of protein sequence and biophysical properties (such as structural, functional, and spatial information, amino acid conservation, physicochemical variation, residue mobility, and thermodynamic stability) performed at Invitae indicates that this missense variant is not expected to disrupt SQSTM1 protein function with a negative predictive value of 80%. Experimental studies have shown that this missense change affects SQSTM1 function (PMID: 27554286, 34774801). In summary, the available evidence is currently insufficient to determine the role of this variant in disease. Therefore, it has been classified as a Variant of Uncertain Significance.

Athena Diagnostics
Classification: Uncertain significance. Last evaluated: 2017-10-11. Review status: criteria provided, single submitter. Criteria: Athena Diagnostics Criteria. Collection method: clinical testing. Allele origin: germline.

Literature cited by the submitters: PubMed 25433461 (cited by Labcorp Genetics (formerly Invitae), Labcorp and Athena Diagnostics); PubMed 27554286 (cited by Labcorp Genetics (formerly Invitae), Labcorp and Athena Diagnostics); PubMed 34774801 (cited by Labcorp Genetics (formerly Invitae), Labcorp); PubMed 20452972 (cited by Athena Diagnostics).

NM_003900.5(SQSTM1):c.1052G>C (p.Gly351Ala)

Gene: SQSTM1 (sequestosome 1; plus strand). Cytogenetic location: 5q35.3.
Variant type: single nucleotide variant.
Coding change: c.1052G>C on transcript NM_003900.5 (MANE Select); coding-DNA position 1052, G replaced by C.
Protein change: p.Gly351Ala; replaces glycine 351 with alanine.
Molecular consequence: missense variant.
Genome position (GRCh38, 1-based): chr5:179,833,669, G>C. VCF-style: chr5-179833669-G-C. GRCh37 (hg19) VCF-style: chr5-179260669-G-C.
Other names: c.800G>C, p.Gly267Ala (NM_001142298.2, NM_001142299.2); short protein forms G267A, G351A.
Identifiers: ClinVar variation 586683 (VCV000586683.4), dbSNP rs1355424687, ClinGen allele CA362452633.